The following is an entry in ClinVar:

ClinVar aggregate classification (germline): Uncertain significance (1 of 4 stars; one submission).

Submission:

Labcorp Genetics (formerly Invitae), Labcorp
Classification: Uncertain significance. Last evaluated: 2025-10-16. Review status: criteria provided, single submitter. Criteria: Invitae Variant Classification Sherloc (09022015). Collection method: clinical testing. Allele origin: germline.
Comment: This sequence change falls in intron 26 of the POLE gene. It does not directly change the encoded amino acid sequence of the POLE protein. This variant is not present in population databases (gnomAD no frequency). This variant has not been reported in the literature in individuals affected with POLE-related conditions. Experimental studies and prediction algorithms are not available or were not evaluated, and the effect of this variant on mRNA splicing is currently unknown. In summary, the available evidence is currently insufficient to determine the role of this variant in disease. Therefore, it has been classified as a Variant of Uncertain Significance.

NM_006231.4(POLE):c.3275+17_3275+18insACGGAGAGGTGAGGGCTCCCCCCATT

Gene: POLE (DNA polymerase epsilon, catalytic subunit; minus strand). Cytogenetic location: 12q24.33.
Variant type: Insertion.
Coding change: c.3275+17_3275+18insACGGAGAGGTGAGGGCTCCCCCCATT on transcript NM_006231.4 (MANE Select); bases 17 to 18 of the intron after coding-DNA position 3275, ACGGAGAGGTGAGGGCTCCCCCCATT inserted.
Molecular consequence: splice donor variant.
Genome position: GRCh38 VCF-style: chr12-132659277-G-GATGGGGGGAGCCCTCACCTCTCCGTA. GRCh37 (hg19) VCF-style: chr12-133235863-G-GATGGGGGGAGCCCTCACCTCTCCGTA.
Identifiers: ClinVar variation 4729329 (VCV004729329.1).
Genomic context (GRCh38, chr12:132,659,277, plus strand): 5'-CTCTCCGTGACGGAGGGAGCCCTCACCTGTCCGTGATGGGAGGAGCCCTCACCTCTCCGT[G>GATGGGGGGAGCCCTCACCTCTCCGTA]ATGGGGGGAGCCCTCACCTCTCCGTGACAGGGGAGCCCTCGGGCTTGCGGGAGATGATGT-3'